The following is an entry in ClinVar:

ClinVar aggregate classification (germline): Uncertain significance. Review status: criteria provided, multiple submitters, no conflicts (2 of 4 stars). 2 submissions from 2 submitters: Uncertain significance (2). Last evaluated 2025-04-25.

Conditions:
Polycystic kidney disease, adult type (PKD1). Also called: Polycystic Kidney Disease 1, Autosomal Dominant; Polycystic kidney disease 1; Polycystic kidney disease 1, severe; Polycystic Kidney, Autosomal Dominant; POLYCYSTIC KIDNEY DISEASE 1 WITH OR WITHOUT POLYCYSTIC LIVER DISEASE; POLYCYSTIC KIDNEY DISEASE, ADULT, TYPE I. Identifiers: MedGen C3149841, MONDO:0008263, OMIM 173900.

Submissions (2):

MVZ Medizinische Genetik Mainz
Classification: Uncertain significance for Polycystic kidney disease, adult type. Last evaluated: 2025-04-25. Review status: criteria provided, single submitter. Criteria: UK Practice Guidelines For Variant Classification V4 01 2020. Collection method: clinical testing. Allele origin: germline. Inheritance: Autosomal dominant inheritance. Affected: yes. Observed: 1 variant allele.
Comment: ACMG Criteria: PM2_SUP,PP3,PP4

Juno Genomics, Hangzhou Juno Genomics, Inc
Classification: Uncertain significance for Polycystic kidney disease, adult type. Review status: criteria provided, single submitter. Criteria: ACMG Guidelines, 2015. Collection method: clinical testing. Allele origin: germline. Affected: yes.
Comment: Absent from controls (or at extremely low frequency if recessive) in Genome Aggregation Database, Exome Sequencing Project, 1000 Genomes Project, or Exome Aggregation Consortium.;Multiple lines of computational evidence support a deleterious effect on the gene or gene product (conservation, evolutionary, splicing impact, etc).;Patient's phenotype or family history is highly specific for a disease with a single genetic etiology.

NM_001009944.3(PKD1):c.11017-27T>C

Genes: PKD1-AS1 (PKD1 antisense RNA 1; plus strand), PKD1 (polycystin 1, transient receptor potential channel interacting; minus strand). Cytogenetic location: 16p13.3.
Variant type: single nucleotide variant.
Coding change: c.11017-27T>C on transcript NM_001009944.3 (MANE Select); 27 bases into the intron before coding-DNA position 11017, T replaced by C.
Molecular consequence: intron variant.
Genome position (GRCh38, 1-based): chr16:2,093,120, A>G on the plus strand (T>C on the coding strand, the complement: PKD1 is on the minus strand). VCF-style: chr16-2093120-A-G. GRCh37 (hg19) VCF-style: chr16-2143121-A-G.
Other names: c.11014-27T>C (NM_000296.4).
Identifiers: ClinVar variation 3900726 (VCV003900726.2).